The following is an entry in ClinVar:

ClinVar aggregate classification (germline): Uncertain significance. Review status: criteria provided, multiple submitters, no conflicts (2 of 4 stars). 2 submissions from 2 submitters: Uncertain significance (2). Last evaluated 2023-04-27.

Conditions:
Cardiomyopathy (CMYO). Also called: Cardiomyopathies. Identifiers: Orphanet 167848, MedGen C0878544, MONDO:0004994, HP:0001638. Inheritance: Various modes of inheritance.

Allele frequency attached by ClinVar (database versions not stated): ExAC 0.00001; gnomAD exomes 0.00001.

Submissions (2):

All of Us Research Program, National Institutes of Health
Classification: Uncertain significance for Cardiomyopathy. Last evaluated: 2023-04-27. Review status: criteria provided, single submitter. Criteria: ACMG Guidelines, 2015. Collection method: clinical testing. Allele origin: germline. Inheritance: Autosomal dominant inheritance. Observed: 1 variant allele, 1 heterozygote.
Comment: This study involves interpretation of variants in research participants for the purpose of population health screening. Participant phenotype was not available at the time of variant classification. Additional details can be found in publication PMID: 35346344, PMCID: PMC8962531

Blueprint Genetics
Classification: Uncertain significance. Last evaluated: 2023-01-24. Review status: criteria provided, single submitter. Criteria: ACMG Guidelines, 2015. Collection method: clinical testing. Allele origin: germline.

NM_000257.4(MYH7):c.335G>A (p.Trp112Ter)

Gene: MYH7 (myosin heavy chain 7; minus strand). Cytogenetic location: 14q11.2.
Variant type: single nucleotide variant.
Coding change: c.335G>A on transcript NM_000257.4 (MANE Select); coding-DNA position 335, G replaced by A.
Protein change: p.Trp112Ter; replaces tryptophan 112 with a stop codon.
Molecular consequence: nonsense.
Genome position (GRCh38, 1-based): chr14:23,433,094, C>T on the plus strand (G>A on the coding strand, the complement: MYH7 is on the minus strand). VCF-style: chr14-23433094-C-T. GRCh37 (hg19) VCF-style: chr14-23902303-C-T.
Other names: c.335G>A, p.Trp112Ter (NM_001407004.1); short protein forms W112*.
Identifiers: ClinVar variation 3070603 (VCV003070603.2), dbSNP rs756051540, ClinGen allele CA037126.